The following is an entry in ClinVar:

NC_000015.9:g.(?_41687037)_(41689257_?)dup

Gene: NDUFAF1 (NADH:ubiquinone oxidoreductase complex assembly factor 1; minus strand). Cytogenetic location: 15q15.1.
Variant type: Duplication.
Identifiers: ClinVar variation 1412013 (VCV001412013.4).

ClinVar aggregate classification (germline): Uncertain significance (1 of 4 stars; one submission).

Submission:

Labcorp Genetics (formerly Invitae), Labcorp
Classification: Uncertain significance. Last evaluated: 2023-06-29. Review status: criteria provided, single submitter. Criteria: Invitae Variant Classification Sherloc (09022015). Collection method: clinical testing. Allele origin: germline.
Comment: In summary, the available evidence is currently insufficient to determine the role of this variant in disease. Therefore, it has been classified as a Variant of Uncertain Significance. Experimental studies and prediction algorithms are not available or were not evaluated, and the functional significance of this variant is currently unknown. This variant has not been reported in the literature in individuals affected with NDUFAF1-related conditions. This variant results in a copy number gain of the genomic region encompassing exon(s) 2-3 of the NDUFAF1 gene. This region includes the initiator codon of the gene. This copy number gain extends beyond the assayed region for this gene and therefore may encompass additional genes. As the precise location of this event is unknown, it may be in tandem or it may be located elsewhere in the genome.